The following is an entry in ClinVar:

NM_001363711.2(DUOX2):c.152dup (p.Ala52fs)

Gene: DUOX2 (dual oxidase 2; minus strand). Cytogenetic location: 15q21.1.
Variant type: Duplication.
Coding change: c.152dup on transcript NM_001363711.2 (MANE Select); coding-DNA position 152, one base duplicated (G; older notation c.152dupG).
Protein change: p.Ala52fs; shifts the reading frame from alanine 52.
Molecular consequence: frameshift variant.
Genome position (GRCh38, 1-based): chr15:45,112,995, C duplicated on the plus strand (G on the coding strand, the reverse complement: DUOX2 is on the minus strand); the first of 2 consecutive C bases (chr15:45,112,995-45,112,996); duplicating either gives the same sequence. VCF-style (leftmost placement, unchanged base first): chr15-45112994-A-AC. GRCh37 (hg19) VCF-style: chr15-45405192-A-AC.
Other names: c.152dup, p.Ala52fs (NM_014080.5); short protein forms A52fs.
Identifiers: ClinVar variation 1390762 (VCV001390762.6), dbSNP rs2141160202, ClinGen allele CA2573150896.

ClinVar aggregate classification (germline): Pathogenic (1 of 4 stars; one submission).

Submission:

Labcorp Genetics (formerly Invitae), Labcorp
Classification: Pathogenic. Last evaluated: 2022-09-01. Review status: criteria provided, single submitter. Criteria: Invitae Variant Classification Sherloc (09022015). Collection method: clinical testing. Allele origin: germline.
Comment: For these reasons, this variant has been classified as Pathogenic. Algorithms developed to predict the effect of sequence changes on RNA splicing suggest that this variant may create or strengthen a splice site. ClinVar contains an entry for this variant (Variation ID: 1390762). This variant has not been reported in the literature in individuals affected with DUOX2-related conditions. This variant is not present in population databases (gnomAD no frequency). This sequence change creates a premature translational stop signal (p.Ala52Cysfs*249) in the DUOX2 gene. It is expected to result in an absent or disrupted protein product. Loss-of-function variants in DUOX2 are known to be pathogenic (PMID: 12110737, 18765513, 21565790, 24423310, 24735383).

Literature cited by the submitters: PubMed 12110737; PubMed 18765513; PubMed 21565790; PubMed 24423310; PubMed 24735383.